The following is an entry in ClinVar:

ClinVar aggregate classification (germline): Pathogenic (1 of 4 stars; one submission).

Conditions:
Supravalvar aortic stenosis (SVAS). Also called: Supravalvar aortic stenosis, Eisenberg type. Identifiers: Orphanet 3193, MedGen C0003499, MONDO:0008504, OMIM 185500, HP:0004381.

Submission:

Labcorp Genetics (formerly Invitae), Labcorp
Classification: Pathogenic for Supravalvar aortic stenosis. Last evaluated: 2022-08-23. Review status: criteria provided, single submitter. Criteria: Invitae Variant Classification Sherloc (09022015). Collection method: clinical testing. Allele origin: germline.
Comment: For these reasons, this variant has been classified as Pathogenic. Algorithms developed to predict the effect of sequence changes on RNA splicing suggest that this variant may disrupt the consensus splice site. ClinVar contains an entry for this variant (Variation ID: 1068837). This variant has not been reported in the literature in individuals affected with ELN-related conditions. This variant is not present in population databases (gnomAD no frequency). This sequence change creates a premature translational stop signal (p.Gly117Glufs*5) in the ELN gene. It is expected to result in an absent or disrupted protein product. Loss-of-function variants in ELN are known to be pathogenic (PMID: 11175284).

Literature cited by the submitters: PubMed 11175284.

NM_000501.4(ELN):c.348del (p.Gly117fs)

Gene: ELN (elastin; plus strand). Cytogenetic location: 7q11.23.
Variant type: Deletion.
Coding change: c.348del on transcript NM_000501.4 (MANE Select); coding-DNA position 348, one base deleted (A; older notation c.348delA).
Protein change: p.Gly117fs; shifts the reading frame from glycine 117.
Molecular consequence: frameshift variant.
Genome position (GRCh38, 1-based): chr7:74,043,006, A deleted. VCF-style (leftmost placement, unchanged base first): chr7-74043005-CA-C. GRCh37 (hg19) VCF-style: chr7-73457335-CA-C.
Other names: c.318del, p.Gly107fs (NM_001081752.3, NM_001278914.2, NM_001278917.2 and 1 more transcripts); c.348del, p.Gly117fs (NM_001081753.3, NM_001081754.3, NM_001081755.3 and 4 more transcripts); c.312del, p.Gly105fs (NM_001278913.2); short protein forms G105fs, G107fs, G117fs.
Identifiers: ClinVar variation 1068837 (VCV001068837.7), dbSNP rs2131453910, ClinGen allele CA2499219013.